The following is an entry in ClinVar:

NM_003242.6(TGFBR2):c.1291G>A (p.Glu431Lys)

Gene: TGFBR2 (transforming growth factor beta receptor 2; plus strand). Cytogenetic location: 3p24.1.
Variant type: single nucleotide variant.
Coding change: c.1291G>A on transcript NM_003242.6 (MANE Select); coding-DNA position 1291, G replaced by A.
Protein change: p.Glu431Lys; replaces glutamic acid 431 with lysine.
Molecular consequence: missense variant. On other transcripts: intron variant (1).
Genome position (GRCh38, 1-based): chr3:30,674,141, G>A. VCF-style: chr3-30674141-G-A. GRCh37 (hg19) VCF-style: chr3-30715633-G-A.
Other names: c.1291G>A, p.Glu431Lys (NM_001407130.1); c.1186G>A, p.Glu396Lys (NM_001407132.1, NM_001407133.1, NM_001407134.1 and 2 more transcripts); c.1006G>A, p.Glu336Lys (NM_001407137.1); c.931G>A, p.Glu311Lys (NM_001407138.1); c.530-14246G>A (NM_001407139.1); c.1366G>A, p.Glu456Lys (NM_001024847.3); c.1474G>A, p.Glu492Lys (NM_001407126.1); c.1399G>A, p.Glu467Lys (NM_001407127.1); and 2 more; short protein forms E311K, E336K, E396K, E431K, E432K, E440K, E456K, E467K.
Identifiers: ClinVar variation 3911895 (VCV003911895.2).
Genomic context (GRCh38, chr3:30,674,141, plus strand): 5'-CCTCACTGTCTGTTTTTGCTATAGGTGGGAACTGCAAGATACATGGCTCCAGAAGTCCTA[G>A]AATCCAGGATGAATTTGGAGAATGTTGAGTCCTTCAAGCAGACCGATGTCTACTCCATGG-3'
Protein context (NP_003233.4, residues 421-441): TARYMAPEVL[Glu431Lys]SRMNLENVES

ClinVar aggregate classification (germline): Pathogenic (1 of 4 stars; one submission).

Conditions:
Loeys-Dietz syndrome 2 (LDS2). Also called: TGFBR2-Related Loeys-Dietz Syndrome; Marfan Syndrome type 2; Marfan like connective tissue disorder; MFS 2; Marfan syndrome, type 2 (formerly); AORTIC ANEURYSM, FAMILIAL THORACIC 3. Identifiers: Orphanet 284973, Orphanet 558, MedGen C2674574, MONDO:0012427, OMIM 610168.

Submission:

Molecular Genetics Laboratory, CHU Lille
Classification: Pathogenic for Loeys-Dietz syndrome 2. Last evaluated: 2025-06-16. Review status: criteria provided, single submitter. Criteria: ACMG Guidelines, 2015. Collection method: clinical testing, in vitro. Allele origin: unknown, not applicable. Inheritance: Autosomal dominant inheritance. Affected: yes. Observed: 1 heterozygote. Functional consequence: Component leading to Loss-of-Function (LoF).
Comment: Variant was classified as pathogenic based upon the patient phenotype, absence from controls, ACMG criteria and functional evidence (disruption of TGFB signaling)